The following is an entry in ClinVar:

ClinVar aggregate classification (germline): Likely pathogenic (1 of 4 stars; one submission).

Conditions:
Nemaline myopathy 2 (NEM2). Also called: Nemaline myopathy 2, autosomal recessive. Identifiers: MedGen C1850569, MONDO:0009725, OMIM 256030.

Submission:

Myriad Genetics, Inc.
Classification: Likely pathogenic for Nemaline myopathy 2. Last evaluated: 2022-03-31. Review status: criteria provided, single submitter. Criteria: Myriad Women's Health Autosomal Recessive and X-Linked Classification Criteria (2021). Collection method: clinical testing. Allele origin: unknown.
Comment: NM_001271208.1(NEB):c.7042A>T(K2348*) is expected to be pathogenic in the context of NEB-related nemaline myopathy. This variant is predicted to lead to an abnormal or absent protein product due to the creation of a premature termination codon in NEB, a gene where loss-of-function variants are known to be pathogenic. Please note: this variant was assessed in the context of healthy population screening.

NM_001164508.2(NEB):c.7042A>T (p.Lys2348Ter)

Gene: NEB (nebulin; minus strand). Cytogenetic location: 2q23.3.
Variant type: single nucleotide variant.
Coding change: c.7042A>T on transcript NM_001164508.2 (MANE Select); coding-DNA position 7042, A replaced by T.
Protein change: p.Lys2348Ter; replaces lysine 2348 with a stop codon.
Molecular consequence: nonsense.
Genome position (GRCh38, 1-based): chr2:151,650,759, T>A on the plus strand (A>T on the coding strand, the complement: NEB is on the minus strand). VCF-style: chr2-151650759-T-A. GRCh37 (hg19) VCF-style: chr2-152507273-T-A.
Other names: c.7042A>T, p.Lys2348Ter (NM_001271208.2, NM_004543.5, NM_001164507.2); short protein forms K2348*.
Identifiers: ClinVar variation 1725767 (VCV001725767.2), dbSNP rs2552249944, ClinGen allele CA348790385.
Genomic context (GRCh38, chr2:151,650,759, plus strand): 5'-GTACCACTCCCAACATGTCCACTGGGCTGGAGAACTTAGTTTTCCACTTCTCAAAGTCCT[T>A]CTTGTATTCTCTTTCACTCTGCATTTTGGCTACATTCATGGACAACACAAGTTTTGGGTC-3'